The following is an entry in ClinVar:

ClinVar aggregate classification (germline): Uncertain significance. Review status: criteria provided, multiple submitters, no conflicts (2 of 4 stars). 2 submissions from 2 submitters: Uncertain significance (2). Last evaluated 2023-08-30.

Conditions:
Schimke immuno-osseous dysplasia (SIOD). Also called: Schimke Immunoosseous Dysplasia. Identifiers: Orphanet 1830, MedGen C0877024, MONDO:0009458, OMIM 242900.

Allele frequency attached by ClinVar (database versions not stated): gnomAD exomes 0.00001.
gnomAD v4.1: 3 of 1,614,228 alleles (0.00019%); highest among the groups gnomAD compares: Non-Finnish European, 0.00025%; no homozygotes.

Submissions (2):

Blueprint Genetics
Classification: Uncertain significance. Last evaluated: 2023-08-30. Review status: criteria provided, single submitter. Criteria: ACMG Guidelines, 2015. Collection method: clinical testing. Allele origin: germline.

Labcorp Genetics (formerly Invitae), Labcorp
Classification: Uncertain significance for Schimke immuno-osseous dysplasia. Last evaluated: 2021-08-20. Review status: criteria provided, single submitter. Criteria: Invitae Variant Classification Sherloc (09022015). Collection method: clinical testing. Allele origin: germline.
Comment: This sequence change replaces glutamine with arginine at codon 653 of the SMARCAL1 protein (p.Gln653Arg). The glutamine residue is highly conserved and there is a small physicochemical difference between glutamine and arginine. This variant is not present in population databases (ExAC no frequency). This variant has not been reported in the literature in individuals affected with SMARCAL1-related conditions. Algorithms developed to predict the effect of missense changes on protein structure and function are either unavailable or do not agree on the potential impact of this missense change (SIFT: "Deleterious"; PolyPhen-2: "Probably Damaging"; Align-GVGD: "Class C0"). In summary, the available evidence is currently insufficient to determine the role of this variant in disease. Therefore, it has been classified as a Variant of Uncertain Significance.

NM_014140.4(SMARCAL1):c.1958A>G (p.Gln653Arg)

Gene: SMARCAL1 (SNF2 related chromatin remodeling annealing helicase 1; plus strand). Cytogenetic location: 2q35.
Variant type: single nucleotide variant.
Coding change: c.1958A>G on transcript NM_014140.4 (MANE Select); coding-DNA position 1958, A replaced by G.
Protein change: p.Gln653Arg; replaces glutamine 653 with arginine.
Molecular consequence: missense variant.
Genome position (GRCh38, 1-based): chr2:216,450,952, A>G. VCF-style: chr2-216450952-A-G. GRCh37 (hg19) VCF-style: chr2-217315675-A-G.
Other names: c.1958A>G, p.Gln653Arg (NM_001127207.2); short protein forms Q653R.
Identifiers: ClinVar variation 1389620 (VCV001389620.6), dbSNP rs2106055268, ClinGen allele CA350502111.